The following is an entry in ClinVar:

NM_000038.6(APC):c.2502C>T (p.Ser834=)

Gene: APC (APC regulator of Wnt signaling pathway; plus strand). Cytogenetic location: 5q22.2.
Variant type: single nucleotide variant.
Coding change: c.2502C>T on transcript NM_000038.6 (MANE Select); coding-DNA position 2502, C replaced by T.
Protein change: p.Ser834=; no amino-acid change (serine 834 retained).
Molecular consequence: synonymous variant. On other transcripts: non-coding transcript variant (2).
Genome position (GRCh38, 1-based): chr5:112,838,096, C>T. VCF-style: chr5-112838096-C-T. GRCh37 (hg19) VCF-style: chr5-112173793-C-T.
Other names: c.2502C>T, p.Ser834= (NM_001127510.3, NM_001354895.2, NM_001407450.1); c.2448C>T, p.Ser816= (NM_001127511.3); c.2556C>T, p.Ser852= (NM_001354896.2, NM_001407447.1, NM_001407448.1 and 1 more transcripts); c.2532C>T, p.Ser844= (NM_001354897.2); c.2427C>T, p.Ser809= (NM_001354898.2); c.2418C>T, p.Ser806= (NM_001354899.2); c.2379C>T, p.Ser793= (NM_001354900.2); c.2325C>T, p.Ser775= (NM_001354901.2, NM_001407453.1); and 12 more.
Identifiers: ClinVar variation 3148072 (VCV003148072.1), dbSNP rs1326266013, ClinGen allele CA445962804.

ClinVar aggregate classification (germline): Benign/Likely benign. Review status: criteria provided, multiple submitters, no conflicts (2 of 4 stars). 2 submissions from 2 submitters: Benign (1); Likely benign (1). Last evaluated 2024-03-14.

Conditions:
Familial adenomatous polyposis 1 (FAP1). Also called: POLYPOSIS, ADENOMATOUS INTESTINAL; FAMILIAL ADENOMATOUS POLYPOSIS 1, ATTENUATED. Identifiers: MedGen C2713442, MONDO:0021056, OMIM 175100. Disease mechanism: loss of function.
Hereditary cancer-predisposing syndrome. Also called: Neoplastic Syndromes, Hereditary; Tumor predisposition; Hereditary neoplastic syndrome; Hereditary Cancer Syndrome. Identifiers: Orphanet 140162, MedGen C0027672, MeSH D009386, MONDO:0015356.

Allele frequency attached by ClinVar (database versions not stated): gnomAD exomes below 0.00001.
gnomAD v4.1: 1 of 1,614,210 alleles (0.000062%); highest among the groups gnomAD compares: Non-Finnish European, 0.000085%; no homozygotes.

Submissions (2):

Myriad Genetics, Inc.
Classification: Benign for Familial adenomatous polyposis 1. Last evaluated: 2024-03-14. Review status: criteria provided, single submitter. Criteria: Myriad Autosomal Dominant, Autosomal Recessive and X-Linked Classification Criteria (2023). Collection method: clinical testing. Allele origin: unknown.
Comment: This variant is considered benign. This variant is a silent/synonymous amino acid change and it is not expected to impact splicing.

Ambry Genetics
Classification: Likely benign for Hereditary cancer-predisposing syndrome. Last evaluated: 2023-10-31. Review status: criteria provided, single submitter. Criteria: Ambry Variant Classification Scheme 2023. Collection method: clinical testing. Allele origin: germline.